The following is an entry in ClinVar:

ClinVar aggregate classification (germline): Uncertain significance (1 of 4 stars; one submission).

Allele frequency attached by ClinVar (database versions not stated): gnomAD 0.00001; gnomAD exomes 0.00001.
gnomAD v4.1: 9 of 1,613,738 alleles (0.00056%); highest among the groups gnomAD compares: South Asian, 0.0011%; no homozygotes.

Submission:

Labcorp Genetics (formerly Invitae), Labcorp
Classification: Uncertain significance. Last evaluated: 2024-02-14. Review status: criteria provided, single submitter. Criteria: Invitae Variant Classification Sherloc (09022015). Collection method: clinical testing. Allele origin: germline.
Comment: This sequence change replaces proline, which is neutral and non-polar, with leucine, which is neutral and non-polar, at codon 133 of the LONP1 protein (p.Pro133Leu). This variant is present in population databases (rs777582302, gnomAD 0.007%). This variant has not been reported in the literature in individuals affected with LONP1-related conditions. ClinVar contains an entry for this variant (Variation ID: 1482932). Advanced modeling of protein sequence and biophysical properties (such as structural, functional, and spatial information, amino acid conservation, physicochemical variation, residue mobility, and thermodynamic stability) performed at Invitae indicates that this missense variant is not expected to disrupt LONP1 protein function with a negative predictive value of 80%. In summary, the available evidence is currently insufficient to determine the role of this variant in disease. Therefore, it has been classified as a Variant of Uncertain Significance.

NM_004793.4(LONP1):c.398C>T (p.Pro133Leu)

Gene: LONP1 (lon peptidase 1, mitochondrial; minus strand). Cytogenetic location: 19p13.3.
Variant type: single nucleotide variant.
Coding change: c.398C>T on transcript NM_004793.4 (MANE Select); coding-DNA position 398, C replaced by T.
Protein change: p.Pro133Leu; replaces proline 133 with leucine.
Molecular consequence: missense variant. On other transcripts: non-coding transcript variant (1), intron variant (1).
Genome position (GRCh38, 1-based): chr19:5,719,735, G>A on the plus strand (C>T on the coding strand, the complement: LONP1 is on the minus strand). VCF-style: chr19-5719735-G-A. GRCh37 (hg19) VCF-style: chr19-5719746-G-A.
Other names: c.206C>T, p.Pro69Leu (NM_001276479.2); c.-160+484C>T (NM_001276480.1); short protein forms P69L, P133L.
Identifiers: ClinVar variation 1482932 (VCV001482932.5), dbSNP rs777582302, ClinGen allele CA304645056.